The following is an entry in ClinVar:

NM_000308.4(CTSA):c.130C>T (p.Gln44Ter)

Gene: CTSA (cathepsin A; plus strand). Cytogenetic location: 20q13.12.
Variant type: single nucleotide variant.
Coding change: c.130C>T on transcript NM_000308.4 (MANE Select); coding-DNA position 130, C replaced by T.
Protein change: p.Gln44Ter; replaces glutamine 44 with a stop codon.
Molecular consequence: nonsense. On other transcripts: non-coding transcript variant (1).
Genome position (GRCh38, 1-based): chr20:45,891,698, C>T. VCF-style: chr20-45891698-C-T. GRCh37 (hg19) VCF-style: chr20-44520337-C-T.
Other names: c.130C>T, p.Gln44Ter (NM_001127695.3, NM_001167594.3); short protein forms Q44*.
Identifiers: ClinVar variation 1452908 (VCV001452908.6), dbSNP rs1311180360, ClinGen allele CA409248116.

ClinVar aggregate classification (germline): Pathogenic (1 of 4 stars; one submission).

Conditions:
Combined deficiency of sialidase AND beta galactosidase (GSL). Also called: GOLDBERG SYNDROME; NEURAMINIDASE DEFICIENCY WITH BETA-GALACTOSIDASE DEFICIENCY; NEURAMINIDASE/BETA-GALACTOSIDASE EXPRESSION; PPCA DEFICIENCY; PROTECTIVE PROTEIN/CATHEPSIN A DEFICIENCY; Galactosialidosis. Identifiers: Orphanet 351, MedGen C0268233, MONDO:0009737, OMIM 256540.

Allele frequency attached by ClinVar (database versions not stated): gnomAD exomes below 0.00001 and 0.00001; TOPMed 0.00001.
gnomAD v4.1: 16 of 1,613,372 alleles (0.00099%); highest among the groups gnomAD compares: Non-Finnish European, 0.0014%; no homozygotes.

Submission:

Labcorp Genetics (formerly Invitae), Labcorp
Classification: Pathogenic for Combined deficiency of sialidase AND beta galactosidase. Last evaluated: 2026-01-22. Review status: criteria provided, single submitter. Criteria: Invitae Variant Classification Sherloc (09022015). Collection method: clinical testing. Allele origin: germline.
Comment: This sequence change creates a premature translational stop signal (p.Gln62*) in the CTSA gene. It is expected to result in an absent or disrupted protein product. Loss-of-function variants in CTSA are known to be pathogenic (PMID: 15110321, 23915561). This variant is present in population databases (no rsID available, gnomAD 0.002%). This variant has not been reported in the literature in individuals affected with CTSA-related conditions. ClinVar contains an entry for this variant (Variation ID: 1452908). For these reasons, this variant has been classified as Pathogenic.

Literature cited by the submitters: PubMed 15110321; PubMed 23915561.